The following is an entry in ClinVar:

NM_001004320.2(AGMO):c.655A>T (p.Ser219Cys)

Gene: AGMO (alkylglycerol monooxygenase; minus strand). Cytogenetic location: 7p21.2.
Variant type: single nucleotide variant.
Coding change: c.655A>T on transcript NM_001004320.2 (MANE Select); coding-DNA position 655, A replaced by T.
Protein change: p.Ser219Cys; replaces serine 219 with cysteine.
Molecular consequence: missense variant.
Genome position (GRCh38, 1-based): chr7:15,394,134, T>A on the plus strand (A>T on the coding strand, the complement: AGMO is on the minus strand). VCF-style: chr7-15394134-T-A. GRCh37 (hg19) VCF-style: chr7-15433759-T-A.
Other names: short protein forms S219C.
Identifiers: ClinVar variation 3349113 (VCV003349113.2).

ClinVar aggregate classification (germline): Uncertain significance (1 of 4 stars; one submission).

Conditions:
AGMO-related disorder. Also called: AGMO-related condition.

Submission:

PreventionGenetics, part of Exact Sciences
Classification: Uncertain significance for AGMO-related condition. Last evaluated: 2025-02-07. Review status: criteria provided, single submitter. Criteria: ACMG Guidelines, 2015. Collection method: clinical testing. Allele origin: germline.
Comment: The AGMO c.655A>T variant is predicted to result in the amino acid substitution p.Ser219Cys. To our knowledge, this variant has not been reported in the literature or in a large population database (gnomAD), indicating this variant is rare. At this time, the clinical significance of this variant is uncertain due to the absence of conclusive functional and genetic evidence.